The following is an entry in ClinVar:

NM_006514.4(SCN10A):c.5005C>G (p.Pro1669Ala)

Gene: SCN10A (sodium voltage-gated channel alpha subunit 10; minus strand). Cytogenetic location: 3p22.2.
Variant type: single nucleotide variant.
Coding change: c.5005C>G on transcript NM_006514.4 (MANE Select); coding-DNA position 5005, C replaced by G.
Protein change: p.Pro1669Ala; replaces proline 1669 with alanine.
Molecular consequence: missense variant.
Genome position (GRCh38, 1-based): chr3:38,698,215, G>C on the plus strand (C>G on the coding strand, the complement: SCN10A is on the minus strand). VCF-style: chr3-38698215-G-C. GRCh37 (hg19) VCF-style: chr3-38739706-G-C.
Other names: c.5002C>G, p.Pro1668Ala (NM_001293306.2); c.4711C>G, p.Pro1571Ala (NM_001293307.2); short protein forms P1571A, P1669A, P1668A.
Identifiers: ClinVar variation 2625762 (VCV002625762.2), dbSNP rs1254609428, ClinGen allele CA352154916.

ClinVar aggregate classification (germline): Uncertain significance (1 of 4 stars; one submission).

Conditions:
Cardiovascular phenotype. Identifiers: MedGen CN230736.

Allele frequency attached by ClinVar (database versions not stated): gnomAD exomes below 0.00001; gnomAD 0.00001; 1000 Genomes Project 30x 0.00031.

Submission:

Ambry Genetics
Classification: Uncertain significance for Cardiovascular phenotype. Last evaluated: 2023-06-18. Review status: criteria provided, single submitter. Criteria: Ambry Variant Classification Scheme 2023. Collection method: clinical testing. Allele origin: germline.
Comment: The p.P1669A variant (also known as c.5005C>G), located in coding exon 27 of the SCN10A gene, results from a C to G substitution at nucleotide position 5005. The proline at codon 1669 is replaced by alanine, an amino acid with highly similar properties. This amino acid position is conserved. In addition, this alteration is predicted to be deleterious by in silico analysis. Since supporting evidence is limited at this time, the clinical significance of this alteration remains unclear.